The following is an entry in ClinVar:

NM_000535.7(PMS2):c.931C>A (p.His311Asn)

Gene: PMS2 (PMS1 homolog 2, mismatch repair system component; minus strand). Cytogenetic location: 7p22.1.
Variant type: single nucleotide variant.
Coding change: c.931C>A on transcript NM_000535.7 (MANE Select); coding-DNA position 931, C replaced by A.
Protein change: p.His311Asn; replaces histidine 311 with asparagine.
Molecular consequence: missense variant. On other transcripts: 5 prime UTR variant (2), non-coding transcript variant (1), intron variant (1).
Genome position (GRCh38, 1-based): chr7:5,992,030, G>T on the plus strand (C>A on the coding strand, the complement: PMS2 is on the minus strand). VCF-style: chr7-5992030-G-T. GRCh37 (hg19) VCF-style: chr7-6031661-G-T.
Other names: c.526C>A, p.His176Asn (NM_001018040.1, NM_001322003.2, NM_001322004.2 and 20 more transcripts); c.931C>A, p.His311Asn (NM_001322006.2, NM_001322014.2, NM_001406870.1 and 2 more transcripts); c.613C>A, p.His205Asn (NM_001322007.2, NM_001322008.2, NM_001406876.1 and 4 more transcripts); c.-3C>A (NM_001322011.2, NM_001322012.2); c.358C>A, p.His120Asn (NM_001322013.2, NM_001406909.1); c.622C>A, p.His208Asn (NM_001322015.2, NM_001406875.1, NM_001406877.1 and 6 more transcripts); c.1117C>A, p.His373Asn (NM_001406866.1); c.955C>A, p.His319Asn (NM_001406868.1); and 8 more; short protein forms H120N, H140N, H176N, H189N, H199N, H205N, H208N, H245N.
Identifiers: ClinVar variation 3071270 (VCV003071270.1), dbSNP rs2128755904, ClinGen allele CA366743174.

ClinVar aggregate classification (germline): Uncertain significance (1 of 4 stars; one submission).

Conditions:
Lynch syndrome. Identifiers: Orphanet 144, MedGen C4552100, MONDO:0005835. Disease mechanism: loss of function.

Submission:

All of Us Research Program, National Institutes of Health
Classification: Uncertain significance for Lynch syndrome. Last evaluated: 2023-05-16. Review status: criteria provided, single submitter. Criteria: ACMG Guidelines, 2015. Collection method: clinical testing. Allele origin: germline. Inheritance: Autosomal dominant inheritance. Observed: 1 variant allele, 1 heterozygote.
Comment: This missense variant replaces histidine with asparagine at codon 311 of the PMS2 protein. Computational prediction is inconclusive regarding the impact of this variant on protein structure and function (internally defined REVEL score threshold 0.5 < inconclusive < 0.7, PMID: 27666373). To our knowledge, functional studies have not been reported for this variant. This variant has not been reported in individuals affected with PMS2-related disorders in the literature. This variant has not been identified in the general population by the Genome Aggregation Database (gnomAD). The available evidence is insufficient to determine the role of this variant in disease conclusively. Therefore, this variant is classified as a Variant of Uncertain Significance.

This study involves interpretation of variants in research participants for the purpose of population health screening. Participant phenotype was not available at the time of variant classification. Additional details can be found in publication PMID: 35346344, PMCID: PMC8962531